The following is an entry in ClinVar:

NM_001999.4(FBN2):c.5816A>C (p.Glu1939Ala)

Gene: FBN2 (fibrillin 2; minus strand). Cytogenetic location: 5q23.3.
Variant type: single nucleotide variant.
Coding change: c.5816A>C on transcript NM_001999.4 (MANE Select); coding-DNA position 5816, A replaced by C.
Protein change: p.Glu1939Ala; replaces glutamic acid 1939 with alanine.
Molecular consequence: missense variant.
Genome position (GRCh38, 1-based): chr5:128,303,074, T>G on the plus strand (A>C on the coding strand, the complement: FBN2 is on the minus strand). VCF-style: chr5-128303074-T-G. GRCh37 (hg19) VCF-style: chr5-127638766-T-G.
Other names: short protein forms E1939A.
Identifiers: ClinVar variation 3600594 (VCV003600594.1).
Genomic context (GRCh38, chr5:128,303,074, plus strand): 5'-CACAGACAGTTATAGGATCCAACGGTGTTTTTACAAGTTCCATTTCCACATGGATGCCGC[T>G]CGCACTCATCAACATCTATAAAGAAATATAGGCTCAAAAAATTCAATTTTTAACTAGAAA-3'
Protein context (NP_001990.2, residues 1929-1949): QTMCMDVDEC[Glu1939Ala]RHPCGNGTCK

ClinVar aggregate classification (germline): Uncertain significance (1 of 4 stars; one submission).

gnomAD v4.1: 2 of 1,604,796 alleles (0.00012%); highest among the groups gnomAD compares: Admixed American, 0.0017%; no homozygotes.

Submission:

GeneDx
Classification: Uncertain significance. Last evaluated: 2024-07-26. Review status: criteria provided, single submitter. Criteria: GeneDx Variant Classification Process June 2021. Collection method: clinical testing. Allele origin: germline. Affected: yes.
Comment: Not observed at significant frequency in large population cohorts (gnomAD); In silico analysis supports that this missense variant has a deleterious effect on protein structure/function; Has not been previously published as pathogenic or benign to our knowledge; This variant is associated with the following publications: (PMID: 19006240, 18767143)